The following is an entry in ClinVar:

NM_001292063.2(OTOG):c.8646G>A (p.Leu2882=)

Gene: OTOG (otogelin; plus strand). Cytogenetic location: 11p15.1.
Variant type: single nucleotide variant.
Coding change: c.8646G>A on transcript NM_001292063.2 (MANE Select); coding-DNA position 8646, G replaced by A.
Protein change: p.Leu2882=; no amino-acid change (leucine 2882 retained).
Molecular consequence: synonymous variant.
Genome position (GRCh38, 1-based): chr11:17,645,848, G>A. VCF-style: chr11-17645848-G-A. GRCh37 (hg19) VCF-style: chr11-17667395-G-A.
Other names: c.8682G>A, p.Leu2894= (NM_001277269.2).
Identifiers: ClinVar variation 227808 (VCV000227808.42), dbSNP rs542151771, ClinGen allele CA5906326.
Genomic context (GRCh38, chr11:17,645,848, plus strand): 5'-CTACAACTACAACATCAACACCTATGCCCGATTCTGCAAGTGCTGCCGTGAGGTGGGCCT[G>A]CAGCGGCGCTCTGTGCAGCTCTTCTGTGCCACCAATGCCACCTGGGTGCCCTATACAGTG-3'
Protein context (NP_001278992.1, residues 2872-2892): RFCKCCREVG[Leu2882=]QRRSVQLFCA

ClinVar aggregate classification (germline): Benign/Likely benign. Review status: criteria provided, multiple submitters, no conflicts (2 of 4 stars). 8 submissions from 8 submitters: Benign (1); Likely benign (6). 1 of the submissions does not count toward it. Last evaluated 2026-06-01.

Conditions:
OTOG-related disorder. Also called: OTOG-related condition.

Allele frequency attached by ClinVar (database versions not stated): ExAC 0.00030; gnomAD 0.00058; TOPMed 0.00069; gnomAD exomes 0.00083 and 0.00097.
gnomAD v4.1: 1,255 of 1,550,798 alleles (0.081%); highest among the groups gnomAD compares: Middle Eastern, 0.23%; 5 homozygotes.

Submissions (8):

CeGaT Center for Human Genetics Tuebingen
Classification: Likely benign. Last evaluated: 2026-06-01. Review status: criteria provided, single submitter. Criteria: CeGaT Center For Human Genetics Tuebingen Variant Classification Criteria Version 2. Collection method: clinical testing. Allele origin: germline. Affected: yes. Observed: 2 variant alleles.
Comment: OTOG: BP4, BS2

Labcorp Genetics (formerly Invitae), Labcorp
Classification: Benign. Last evaluated: 2025-09-14. Review status: criteria provided, single submitter. Criteria: Invitae Variant Classification Sherloc (09022015). Collection method: clinical testing. Allele origin: germline.

Blueprint Genetics
Classification: Likely benign. Last evaluated: 2024-11-27. Review status: criteria provided, single submitter. Criteria: ACMG Guidelines, 2015. Collection method: clinical testing. Allele origin: germline.

GeneDx
Classification: Likely benign. Last evaluated: 2021-06-12. Review status: criteria provided, single submitter. Criteria: GeneDx Variant Classification Process June 2021. Collection method: clinical testing. Allele origin: germline. Affected: yes.

Athena Diagnostics
Classification: Likely benign. Last evaluated: 2019-07-17. Review status: criteria provided, single submitter. Criteria: Athena Diagnostics Criteria. Collection method: clinical testing. Allele origin: germline.

Laboratory for Molecular Medicine, Mass General Brigham Personalized Medicine
Classification: Likely benign. Last evaluated: 2016-01-14. Review status: criteria provided, single submitter. Criteria: LMM Criteria. Collection method: clinical testing. Allele origin: germline. Observed: 2 variant alleles.
Comment: p.Leu2894Leu in exon 55 of OTOG: This variant is not expected to have clinical s ignificance because it does not alter an amino acid residue and is not located w ithin the splice consensus sequence. It has been identified in 5/5654 European c hromosomes by the Exome Aggregation Consortium (ExAC .org; dbSNP rs542151771).

Breakthrough Genomics
Classification: Likely benign. Review status: criteria provided, single submitter. Criteria: ACMG Guidelines, 2015. Collection method: not provided. Allele origin: germline. Inheritance: Autosomal recessive inheritance. Affected: yes.

PreventionGenetics, part of Exact Sciences
Classification: Likely benign for OTOG-related condition. Last evaluated: 2024-07-09. Review status: no assertion criteria provided. Collection method: clinical testing. Allele origin: germline. Not counted in ClinVar's aggregate classification.
Comment: This variant is classified as likely benign based on ACMG/AMP sequence variant interpretation guidelines (Richards et al. 2015 PMID: 25741868, with internal and published modifications).